The following is an entry in ClinVar:

NM_001378615.1(CC2D2A):c.1863T>G (p.Pro621=)

Genes: CC2D2A (coiled-coil and C2 domain containing 2A; plus strand), FBXL5 (F-box and leucine rich repeat protein 5; minus strand). Cytogenetic location: 4p15.32.
Variant type: single nucleotide variant.
Coding change: c.1863T>G on transcript NM_001378615.1 (MANE Select); coding-DNA position 1863, T replaced by G.
Protein change: p.Pro621=; no amino-acid change (proline 621 retained).
Molecular consequence: synonymous variant.
Genome position (GRCh38, 1-based): chr4:15,537,997, T>G. VCF-style: chr4-15537997-T-G. GRCh37 (hg19) VCF-style: chr4-15539620-T-G.
Other names: c.1863T>G, p.Pro621= (NM_001080522.2); c.1716T>G, p.Pro572= (NM_001378617.1).
Identifiers: ClinVar variation 1637196 (VCV001637196.9), dbSNP rs1325653391, ClinGen allele CA438463547.

ClinVar aggregate classification (germline): Likely benign. Review status: criteria provided, multiple submitters, no conflicts (2 of 4 stars). 2 submissions from 2 submitters: Likely benign (2). Last evaluated 2025-12-26.

Conditions:
CC2D2A-related disorder. Also called: CC2D2A-related condition; CC2D2A-related disorders. Identifiers: MedGen CN239313.
Meckel-Gruber syndrome. Also called: DYSENCEPHALIA SPLANCHNOCYSTICA; GRUBER SYNDROME; Dysencephalia splachnocystica. Identifiers: Orphanet 564, MedGen C0265215, MONDO:0018921.
Joubert syndrome. Also called: JOUBERT-BOLTSHAUSER SYNDROME; Familial aplasia of the vermis. Identifiers: Orphanet 475, MedGen C5979921, MONDO:0018772.

Allele frequency attached by ClinVar (database versions not stated): TOPMed below 0.00001; gnomAD 0.00001.
gnomAD v4.1: 2 of 1,609,670 alleles (0.00012%); highest among the groups gnomAD compares: Non-Finnish European, 0.00017%; no homozygotes.

Submissions (2):

PreventionGenetics, part of Exact Sciences
Classification: Likely benign for CC2D2A-related condition. Last evaluated: 2025-12-26. Review status: criteria provided, single submitter. Criteria: ACMG Guidelines, 2015. Collection method: clinical testing. Allele origin: germline.
Comment: This variant is classified as likely benign based on ACMG/AMP sequence variant interpretation guidelines (Richards et al. 2015 PMID: 25741868, with internal and published modifications).

Labcorp Genetics (formerly Invitae), Labcorp
Classification: Likely benign for Joubert syndrome; Meckel-Gruber syndrome. Last evaluated: 2024-03-16. Review status: criteria provided, single submitter. Criteria: Invitae Variant Classification Sherloc (09022015). Collection method: clinical testing. Allele origin: germline.